The following is an entry in ClinVar:

ClinVar aggregate classification (germline): Likely benign. Review status: criteria provided, multiple submitters, no conflicts (2 of 4 stars). 2 submissions from 2 submitters: Likely benign (2). Last evaluated 2025-08-17.

Conditions:
SLC44A4-related disorder. Also called: SLC44A4-related condition.

Submissions (2):

Labcorp Genetics (formerly Invitae), Labcorp
Classification: Likely benign. Last evaluated: 2025-08-17. Review status: criteria provided, single submitter. Criteria: Invitae Variant Classification Sherloc (09022015). Collection method: clinical testing. Allele origin: germline.

PreventionGenetics, part of Exact Sciences
Classification: Likely benign for SLC44A4-related condition. Last evaluated: 2024-12-10. Review status: criteria provided, single submitter. Criteria: ACMG Guidelines, 2015. Collection method: clinical testing. Allele origin: germline.
Comment: This variant is classified as likely benign based on ACMG/AMP sequence variant interpretation guidelines (Richards et al. 2015 PMID: 25741868, with internal and published modifications).

NM_025257.3(SLC44A4):c.1842CTT[1] (p.Phe618del)

Gene: SLC44A4 (solute carrier family 44 member 4; minus strand). Cytogenetic location: 6p21.33.
Variant type: Microsatellite.
Coding change: c.1842CTT[1] on transcript NM_025257.3 (MANE Select); one copy of the 3-base unit CTT starting at c.1842; the reference has two copies in a row; one copy, 3 bases deleted.
Protein change: p.Phe618del; deletes phenylalanine 618.
Molecular consequence: inframe deletion.
Genome position (GRCh38, 1-based): chr6:31,864,895-31,864,897, AAG deleted on the plus strand (CTT on the coding strand, the reverse complement: SLC44A4 is on the minus strand); deleting any 3 consecutive bases within chr6:31,864,895-31,864,900 gives the same sequence; the position shown is the placement nearest the transcript's 3' end. VCF-style (leftmost placement, unchanged base first): chr6-31864894-AAAG-A. GRCh37 (hg19) VCF-style: chr6-31832671-AAAG-A.
Other names: c.1716CTT[1], p.Phe576del (NM_001178044.2); c.1614CTT[1], p.Phe542del (NM_001178045.2); c.1845_1847delCTT (NM_025257.2); short protein forms F542del, F576del, F618del.
Identifiers: ClinVar variation 1595951 (VCV001595951.9), dbSNP rs748254859, ClinGen allele CA3725240.
Genomic context (GRCh38, chr6:31,864,894, plus strand): 5'-ATAGTTGAGGTGGGGGCTCTTAAAGTCTTTACCCAGCCCCGGGATGCGACCGGAGAAAAA[AAAG>A]AAGGACAGGACCCCTGTGGAATAATTCTGGGGGTTAGTGCTGCACCTCTGAGGCCACCTC-3'